The following is an entry in ClinVar:

NM_017909.4(RMND1):c.504+281A>G

Gene: RMND1 (required for meiotic nuclear division 1 homolog; minus strand). Cytogenetic location: 6q25.1.
Variant type: single nucleotide variant.
Coding change: c.504+281A>G on transcript NM_017909.4 (MANE Select); 281 bases into the intron after coding-DNA position 504, A replaced by G.
Molecular consequence: intron variant.
Genome position (GRCh38, 1-based): chr6:151,445,027, T>C on the plus strand (A>G on the coding strand, the complement: RMND1 is on the minus strand). VCF-style: chr6-151445027-T-C. GRCh37 (hg19) VCF-style: chr6-151766162-T-C.
Other names: c.-7+6989A>G (NM_001271937.2).
Identifiers: ClinVar variation 683659 (VCV000683659.1), dbSNP rs3800279, ClinGen allele CA15424221.

ClinVar aggregate classification (germline): Benign (1 of 4 stars; one submission).

Allele frequency attached by ClinVar (database versions not stated): gnomAD exomes 0.29457; gnomAD 0.34536 and 0.34903; TOPMed 0.34796; 1000 Genomes Project 30x 0.42989; 1000 Genomes Project 0.43191.
gnomAD v4.1: 103,995 of 324,600 alleles (32%); highest among the groups gnomAD compares: African/African-American, 50%; 18,582 homozygotes.

Submission:

GeneDx
Classification: Benign. Last evaluated: 2018-06-14. Review status: criteria provided, single submitter. Criteria: GeneDx Variant Classification (06012015). Collection method: clinical testing. Allele origin: germline. Affected: yes.
Comment: This variant is considered likely benign or benign based on one or more of the following criteria: it is a conservative change, it occurs at a poorly conserved position in the protein, it is predicted to be benign by multiple in silico algorithms, and/or has population frequency not consistent with disease.